The following is an entry in ClinVar:

ClinVar aggregate classification (germline): Uncertain significance (1 of 4 stars; one submission).

gnomAD v4.1: 1 of 1,594,694 alleles (0.000063%); highest among the groups gnomAD compares: Middle Eastern, 0.017%; no homozygotes.

Submission:

Mayo Clinic Laboratories, Mayo Clinic
Classification: Uncertain significance. Last evaluated: 2024-07-29. Review status: criteria provided, single submitter. Criteria: ACMG Guidelines, 2015. Collection method: clinical testing. Allele origin: germline. Observed: 1 variant allele.
Comment: PM2

NM_001267550.2(TTN):c.19141G>A (p.Val6381Ile)

Gene: TTN (titin; minus strand). Cytogenetic location: 2q31.2.
Variant type: single nucleotide variant.
Coding change: c.19141G>A on transcript NM_001267550.2 (MANE Select); coding-DNA position 19141, G replaced by A.
Protein change: p.Val6381Ile; replaces valine 6381 with isoleucine.
Molecular consequence: missense variant. On other transcripts: intron variant (3).
Genome position (GRCh38, 1-based): chr2:178,728,897, C>T on the plus strand (G>A on the coding strand, the complement: TTN is on the minus strand). VCF-style: chr2-178728897-C-T. GRCh37 (hg19) VCF-style: chr2-179593624-C-T.
Other names: p.Val6064Ile; c.18190G>A, p.Val6064Ile (NM_001256850.1); c.15409G>A, p.Val5137Ile (NM_133378.4); c.13282+9185G>A (NM_003319.4); c.13858+9185G>A (NM_133437.4); c.13657+9185G>A (NM_133432.3); short protein forms V5137I, V6064I, V6381I.
Identifiers: ClinVar variation 3379377 (VCV003379377.1).